The following is an entry in ClinVar:

ClinVar aggregate classification (germline): Conflicting classifications of pathogenicity. Review status: criteria provided, conflicting classifications (1 of 4 stars). 4 submissions from 4 submitters: Uncertain significance (2); Likely benign (2). Last evaluated 2024-08-01.

Conditions:
Cerebellar dysfunction with variable cognitive and behavioral abnormalities (CECBA). Also called: Nonprogressive cerebellar atxia with intellectual disability. Identifiers: Orphanet 314647, MedGen C3553661, MONDO:0013886, OMIM 614756.

Allele frequency attached by ClinVar (database versions not stated): gnomAD 0.00004 and 0.00005; ExAC 0.00006; gnomAD exomes 0.00007; TOPMed 0.00008; ESP Exome Variant Server 0.00023.
gnomAD v4.1: 111 of 1,614,192 alleles (0.0069%); highest among the groups gnomAD compares: Middle Eastern, 0.15%; no homozygotes.

Submissions (4):

CeGaT Center for Human Genetics Tuebingen
Classification: Likely benign. Last evaluated: 2024-08-01. Review status: criteria provided, single submitter. Criteria: CeGaT Center For Human Genetics Tuebingen Variant Classification Criteria Version 2. Collection method: clinical testing. Allele origin: germline. Affected: yes. Observed: 3 variant alleles.
Comment: CAMTA1: BS1

Labcorp Genetics (formerly Invitae), Labcorp
Classification: Uncertain significance. Last evaluated: 2024-03-15. Review status: criteria provided, single submitter. Criteria: Invitae Variant Classification Sherloc (09022015). Collection method: clinical testing. Allele origin: germline.
Comment: This sequence change replaces alanine, which is neutral and non-polar, with valine, which is neutral and non-polar, at codon 1493 of the CAMTA1 protein (p.Ala1493Val). This variant is present in population databases (rs147636995, gnomAD 0.01%). This variant has not been reported in the literature in individuals affected with CAMTA1-related conditions. ClinVar contains an entry for this variant (Variation ID: 1298400). An algorithm developed to predict the effect of missense changes on protein structure and function (PolyPhen-2) suggests that this variant is likely to be disruptive. In summary, the available evidence is currently insufficient to determine the role of this variant in disease. Therefore, it has been classified as a Variant of Uncertain Significance.

Revvity Omics, Revvity
Classification: Uncertain significance for Cerebellar dysfunction with variable cognitive and behavioral abnormalities. Last evaluated: 2019-03-06. Review status: criteria provided, single submitter. Criteria: ACMG Guidelines, 2015. Collection method: clinical testing. Allele origin: germline.

Breakthrough Genomics
Classification: Likely benign. Review status: criteria provided, single submitter. Criteria: ACMG Guidelines, 2015. Collection method: not provided. Allele origin: germline. Inheritance: Autosomal dominant inheritance. Affected: yes.

NM_015215.4(CAMTA1):c.4478C>T (p.Ala1493Val)

Gene: CAMTA1 (calmodulin binding transcription activator 1; plus strand). Cytogenetic location: 1p36.23.
Variant type: single nucleotide variant.
Coding change: c.4478C>T on transcript NM_015215.4 (MANE Select); coding-DNA position 4478, C replaced by T.
Protein change: p.Ala1493Val; replaces alanine 1493 with valine.
Molecular consequence: missense variant.
Genome position (GRCh38, 1-based): chr1:7,745,952, C>T. VCF-style: chr1-7745952-C-T. GRCh37 (hg19) VCF-style: chr1-7806012-C-T.
Other names: c.1550C>T, p.Ala517Val (NM_001349614.1, NM_001349615.2, NM_001349616.2 and 2 more transcripts); c.1211C>T, p.Ala404Val (NM_001349619.2, NM_001349620.1, NM_001349621.1 and 5 more transcripts); c.4388C>T, p.Ala1463Val (NM_001349608.2); c.4139C>T, p.Ala1380Val (NM_001349609.2, NM_001349610.2); c.4049C>T, p.Ala1350Val (NM_001349612.2); c.1607C>T, p.Ala536Val (NM_001349613.1); short protein forms A1350V, A1380V, A1463V, A1493V, A404V, A517V, A536V.
Identifiers: ClinVar variation 1298400 (VCV001298400.43), dbSNP rs147636995, ClinGen allele CA567173.
Genomic context (GRCh38, chr1:7,745,952, plus strand): 5'-GCCCTGTTGGCTCTCCCGTCAGTGAAATCGCTTTCGAGAAACCTAACCTTCCCTCCGCCG[C>T]GGATTGGTCAGAATTCCTGAGTGCATCTACCAGTGAGAAGGTAGAGAATGAGTTTGCTCA-3'
Protein context (NP_056030.1, residues 1483-1503): AFEKPNLPSA[Ala1493Val]DWSEFLSAST